The following is an entry in ClinVar:

ClinVar aggregate classification (germline): Likely pathogenic (0 of 4 stars; one submission).

Conditions:
3M syndrome 1. Also called: 3-M Syndrome, CUL7-Related. Identifiers: Orphanet 2616, MedGen C2678312, MONDO:0010117, OMIM 273750.

Submission:

Hacettepe Genetic Diseases Diagnosis Center, Hacettepe University Faculty of Medicine
Classification: Likely pathogenic for 3M syndrome 1. Last evaluated: 2016-10-07. Review status: no assertion criteria provided. Collection method: clinical testing. Allele origin: germline. Inheritance: Autosomal recessive inheritance. Affected: yes. Observed: 1 compound heterozygote.
Comment: Both c.4115delA (p.Glu1372Glyfs*37) and c.3089delC (p.Pro1030Leufs*111) variants meet our criteria to be classified as likely pathogenic.

Literature cited by the submitters: PubMed 30980518.

NM_014780.5(CUL7):c.4115del (p.Glu1372fs)

Gene: CUL7 (cullin 7; minus strand). Cytogenetic location: 6p21.1.
Variant type: Deletion.
Coding change: c.4115del on transcript NM_014780.5 (MANE Select); coding-DNA position 4115, one base deleted (A; older notation c.4115delA).
Protein change: p.Glu1372fs; shifts the reading frame from glutamic acid 1372.
Molecular consequence: frameshift variant.
Genome position (GRCh38, 1-based): chr6:43,040,335, T deleted on the plus strand (A on the coding strand, the reverse complement: CUL7 is on the minus strand). VCF-style (leftmost placement, unchanged base first): chr6-43040334-CT-C. GRCh37 (hg19) VCF-style: chr6-43008072-CT-C.
Other names: c.4115delA (NM_014780.4); c.4211del, p.Glu1404fs (NM_001168370.2, NM_001374872.1); c.4115del, p.Glu1372fs (NM_001374873.1); c.4112del, p.Glu1371fs (NM_001374874.1); short protein forms E1372fs, E1371fs, E1404fs.
Identifiers: ClinVar variation 599272 (VCV000599272.2), dbSNP rs1561873941, ClinGen allele CA913189789.